The following is an entry in ClinVar:

NM_004415.4(DSP):c.424C>T (p.Leu142Phe)

Gene: DSP (desmoplakin; plus strand). Cytogenetic location: 6p24.3.
Variant type: single nucleotide variant.
Coding change: c.424C>T on transcript NM_004415.4 (MANE Select); coding-DNA position 424, C replaced by T.
Protein change: p.Leu142Phe; replaces leucine 142 with phenylalanine.
Molecular consequence: missense variant.
Genome position (GRCh38, 1-based): chr6:7,559,227, C>T. VCF-style: chr6-7559227-C-T. GRCh37 (hg19) VCF-style: chr6-7559460-C-T.
Other names: p.L142F:CTT>TTT; c.424C>T (LRG_423t1, NM_004415.3); c.424C>T, p.Leu142Phe (NM_001008844.3, NM_001319034.2); short protein forms L142F.
Identifiers: ClinVar variation 199849 (VCV000199849.23), dbSNP rs373769397, ClinGen allele CA006059.
Genomic context (GRCh38, chr6:7,559,227, plus strand): 5'-CAGAACGGGTTTTCATAGGCTGTTTTCCTGCAGTGGTTTAAAGGTTTTTTTCTTTGCAGG[C>T]TTCTTCAGCTCCAAGAGCAAATGCGAGCCCTTTATAAAGCCATCAGTGTCCCTCGAGTCC-3'
Protein context (NP_004406.2, residues 132-152): GQPCDAYQKR[Leu142Phe]LQLQEQMRAL

ClinVar aggregate classification (germline): Uncertain significance. Review status: criteria provided, multiple submitters, no conflicts (2 of 4 stars). 8 submissions from 8 submitters: Uncertain significance (6). 2 of the submissions do not count toward it. Last evaluated 2026-03-19.

Conditions:
DSP-related disorder. Also called: DSP-related disorders; DSP-related condition.
Cardiovascular phenotype. Identifiers: MedGen CN230736.
Arrhythmogenic right ventricular dysplasia 8 (ARVD8). Also called: Arrhythmogenic Right Ventricular Dysplasia/Cardiomyopathy 8; ARRHYTHMOGENIC RIGHT VENTRICULAR DYSPLASIA, FAMILIAL, 8; ARRHYTHMOGENIC RIGHT VENTRICULAR CARDIOMYOPATHY 8. Identifiers: MedGen C1843896, MONDO:0011831, OMIM 607450.
Arrhythmogenic cardiomyopathy with wooly hair and keratoderma. Also called: Dilated cardiomyopathy with woolly hair and keratoderma; Arrhythmogenic cardiomyopathy with woolly hair and keratoderma; Carvajal syndrome; PALMOPLANTAR KERATODERMA WITH LEFT VENTRICULAR CARDIOMYOPATHY AND WOOLLY HAIR. Identifiers: Orphanet 65282, MedGen C1854063, MONDO:0011581, OMIM 605676.
Cardiomyopathy (CMYO). Also called: Cardiomyopathies. Identifiers: Orphanet 167848, MedGen C0878544, MONDO:0004994, HP:0001638. Inheritance: Various modes of inheritance.

Allele frequency attached by ClinVar (database versions not stated): gnomAD exomes 0.00001 and 0.00003; ExAC 0.00002; TOPMed 0.00007; gnomAD 0.00009.
gnomAD v4.1: 33 of 1,613,764 alleles (0.002%); highest among the groups gnomAD compares: African/African-American, 0.015%; no homozygotes.

Submissions (8):

Ambry Genetics
Classification: Uncertain significance for Cardiovascular phenotype. Last evaluated: 2026-03-19. Review status: criteria provided, single submitter. Criteria: Ambry Variant Classification Scheme 2023. Collection method: clinical testing. Allele origin: germline.

Labcorp Genetics (formerly Invitae), Labcorp
Classification: Uncertain significance for Arrhythmogenic cardiomyopathy with wooly hair and keratoderma; Arrhythmogenic right ventricular dysplasia 8. Last evaluated: 2026-01-19. Review status: criteria provided, single submitter. Criteria: Invitae Variant Classification Sherloc (09022015). Collection method: clinical testing. Allele origin: germline.
Comment: This sequence change replaces leucine, which is neutral and non-polar, with phenylalanine, which is neutral and non-polar, at codon 142 of the DSP protein (p.Leu142Phe). This variant is present in population databases (rs373769397, gnomAD 0.02%). This missense change has been observed in individual(s) with dilated cardiomyopathy (PMID: 37652022). ClinVar contains an entry for this variant (Variation ID: 199849). An algorithm developed to predict the effect of missense changes on protein structure and function (PolyPhen-2) suggests that this variant is likely to be disruptive. In summary, the available evidence is currently insufficient to determine the role of this variant in disease. Therefore, it has been classified as a Variant of Uncertain Significance.

PreventionGenetics, part of Exact Sciences
Classification: Uncertain significance for DSP-related condition. Last evaluated: 2025-08-30. Review status: criteria provided, single submitter. Criteria: ACMG Guidelines, 2015. Collection method: clinical testing. Allele origin: germline.
Comment: The DSP c.424C>T variant is predicted to result in the amino acid substitution p.Leu142Phe. This variant has been reported in at least one individual with dilated cardiomyopathy (Table S3, Mazzarotto et al. 2020. PubMed ID: 31983221; Table S9, McGurk et al. 2023. PubMed ID: 37652022). It was also reported in an individual with dominant dystrophic epidermolysis bullosa, although the reported individual also harbored variants in several other genes that could have possibly explained the phenotype (Lucky et al. 2018. PubMed ID: 29334134). This variant is reported in 0.016% of alleles in individuals of African descent in gnomAD and is interpreted as uncertain in ClinVar (ClinVar ID: 199849). At this time, the clinical significance of this variant is uncertain due to the absence of conclusive functional and genetic evidence.

GeneDx
Classification: Uncertain significance. Last evaluated: 2025-05-14. Review status: criteria provided, single submitter. Criteria: GeneDx Variant Classification Process June 2021. Collection method: clinical testing. Allele origin: germline. Affected: yes.
Comment: In silico analysis suggests that this missense variant does not alter protein structure/function; This variant is associated with the following publications: (PMID: 31983221, 37652022)

Color Diagnostics, LLC DBA Color Health
Classification: Uncertain significance for Cardiomyopathy. Last evaluated: 2024-10-02. Review status: criteria provided, single submitter. Criteria: ACMG Guidelines, 2015. Collection method: clinical testing. Allele origin: germline.
Comment: This missense variant replaces leucine with phenylalanine at codon 142 of the DSP protein. Computational prediction suggests that this variant may not impact protein structure and function. To our knowledge, functional studies have not been reported for this variant. This variant has been reported in an individual affected with dilated cardiomyopathy (PMID: 31983221). This variant has been identified in 8/281562 chromosomes in the general population by the Genome Aggregation Database (gnomAD). The available evidence is insufficient to determine the role of this variant in disease conclusively. Therefore, this variant is classified as a Variant of Uncertain Significance.

Blueprint Genetics
Classification: Uncertain significance. Last evaluated: 2023-07-26. Review status: criteria provided, single submitter. Criteria: ACMG Guidelines, 2015. Collection method: clinical testing. Allele origin: germline.

Clinical Genetics, Academic Medical Center
Classification: Uncertain significance. Review status: no assertion criteria provided. Collection method: clinical testing. Allele origin: germline. Affected: yes. Study: VKGL Data-share Consensus. Not counted in ClinVar's aggregate classification.

Diagnostic Laboratory, Department of Genetics, University Medical Center Groningen
Classification: Uncertain significance. Review status: no assertion criteria provided. Collection method: clinical testing. Allele origin: germline. Affected: yes. Study: VKGL Data-share Consensus. Not counted in ClinVar's aggregate classification.

Literature cited by the submitters: PubMed 37652022 (cited by Labcorp Genetics (formerly Invitae), Labcorp); PubMed 31983221 (cited by Color Diagnostics, LLC DBA Color Health).